The following is an entry in ClinVar:

NM_000108.5(DLD):c.1291A>G (p.Thr431Ala)

Gene: DLD (dihydrolipoamide dehydrogenase; plus strand). Cytogenetic location: 7q31.1.
Variant type: single nucleotide variant.
Coding change: c.1291A>G on transcript NM_000108.5 (MANE Select); coding-DNA position 1291, A replaced by G.
Protein change: p.Thr431Ala; replaces threonine 431 with alanine.
Molecular consequence: missense variant.
Genome position (GRCh38, 1-based): chr7:107,917,978, A>G. VCF-style: chr7-107917978-A-G. GRCh37 (hg19) VCF-style: chr7-107558423-A-G.
Other names: p.T431A:ACA>GCA; c.994A>G, p.Thr332Ala (NM_001289750.1); c.1222A>G, p.Thr408Ala (NM_001289751.1); c.1147A>G, p.Thr383Ala (NM_001289752.1); short protein forms T431A, T383A, T408A, T332A.
Identifiers: ClinVar variation 203684 (VCV000203684.2), dbSNP rs796051952, ClinGen allele CA312472.

ClinVar aggregate classification (germline): Uncertain significance (1 of 4 stars; one submission).

Submission:

GeneDx
Classification: Uncertain significance. Last evaluated: 2014-07-24. Review status: criteria provided, single submitter. Criteria: GeneDx Variant Classification (06012015). Collection method: clinical testing. Allele origin: germline. Affected: yes.
Comment: p.Thr431Ala (ACA>GCA): c.1291 A>G in exon 12 of the DLD gene (NM_000108.3) The T431A variant has not been published as a mutation, nor has it been reported as a benign polymorphism to our knowledge. The T431A variant is a non-conservative amino acid substitution, which is likely to impact secondary protein structure as these residues differ in polarity, charge, size and/or other properties. This substitution occurs at a position that is conserved across species. In silico analysis predicts this variant likely does not alter the protein structure/function. Therefore, based on the currently available information, it is unclear whether this variant is a pathogenic mutation or a rare benign variant. The variant is found in MITONUC-MITOP panel(s).